The following is an entry in ClinVar:

ClinVar aggregate classification (germline): Uncertain significance (1 of 4 stars; one submission).

Conditions:
Intellectual developmental disorder, autosomal dominant 67 (MRD67). Also called: MENTAL RETARDATION, AUTOSOMAL DOMINANT 67. Identifiers: MedGen C5677006, MONDO:0030964, OMIM 619927.

Submission:

Mendelics
Classification: Uncertain significance for Intellectual developmental disorder, autosomal dominant 67. Last evaluated: 2026-03-05. Review status: criteria provided, single submitter. Criteria: ACMG Guidelines, 2015. Collection method: clinical testing. Allele origin: unknown.
Comment: The available evidence is insufficient to conclusively determine the role of this variant. Therefore, it is classified as a Variant of Uncertain Significance.

NM_000827.4(GRIA1):c.1219A>G (p.Arg407Gly)

Gene: GRIA1 (glutamate ionotropic receptor AMPA type subunit 1; plus strand). Cytogenetic location: 5q33.2.
Variant type: single nucleotide variant.
Coding change: c.1219A>G on transcript NM_000827.4 (MANE Select); coding-DNA position 1219, A replaced by G.
Protein change: p.Arg407Gly; replaces arginine 407 with glycine.
Molecular consequence: missense variant. On other transcripts: non-coding transcript variant (2).
Genome position (GRCh38, 1-based): chr5:153,698,128, A>G. VCF-style: chr5-153698128-A-G. GRCh37 (hg19) VCF-style: chr5-153077688-A-G.
Other names: c.1219A>G, p.Arg407Gly (NM_001114183.2); c.979A>G, p.Arg327Gly (NM_001258019.2); c.934A>G, p.Arg312Gly (NM_001258020.2); c.1249A>G, p.Arg417Gly (NM_001258021.2, NM_001258022.2); c.1012A>G, p.Arg338Gly (NM_001258023.1, NM_001364167.2); c.1051A>G, p.Arg351Gly (NM_001364165.2); c.1246A>G, p.Arg416Gly (NM_001364166.2); short protein forms R312G, R327G, R338G, R351G, R407G, R416G, R417G.
Identifiers: ClinVar variation 4813518 (VCV004813518.1).